The following is an entry in ClinVar:

ClinVar aggregate classification (germline): Uncertain significance (1 of 4 stars; one submission).

Conditions:
Early Myoclonic Encephalopathy. Identifiers: MedGen C0270855.

Submission:

Labcorp Genetics (formerly Invitae), Labcorp
Classification: Uncertain significance for Early Myoclonic Encephalopathy. Last evaluated: 2025-11-10. Review status: criteria provided, single submitter. Criteria: Invitae Variant Classification Sherloc (09022015). Collection method: clinical testing. Allele origin: germline.
Comment: This sequence change falls in intron 5 of the KCND2 gene. It does not directly change the encoded amino acid sequence of the KCND2 protein. It affects a nucleotide within the consensus splice site. This variant is not present in population databases (gnomAD no frequency). This variant has not been reported in the literature in individuals affected with KCND2-related conditions. Variants that disrupt the consensus splice site are a relatively common cause of aberrant splicing (PMID: 17576681, 9536098). Algorithms developed to predict the effect of sequence changes on RNA splicing suggest that this variant may disrupt the consensus splice site. In summary, the available evidence is currently insufficient to determine the role of this variant in disease. Therefore, it has been classified as a Variant of Uncertain Significance.

Literature cited by the submitters: PubMed 17576681; PubMed 9536098.

NM_012281.3(KCND2):c.1715+3A>G

Gene: KCND2 (potassium voltage-gated channel subfamily D member 2; plus strand). Cytogenetic location: 7q31.31.
Variant type: single nucleotide variant.
Coding change: c.1715+3A>G on transcript NM_012281.3 (MANE Select); 3 bases into the intron after coding-DNA position 1715, A replaced by G.
Molecular consequence: intron variant.
Genome position (GRCh38, 1-based): chr7:120,746,030, A>G. VCF-style: chr7-120746030-A-G. GRCh37 (hg19) VCF-style: chr7-120386084-A-G.
Identifiers: ClinVar variation 4724029 (VCV004724029.1).